The following is an entry in ClinVar:

NM_001848.3(COL6A1):c.2808_2809delinsAC (p.Lys937Gln)

Gene: COL6A1 (collagen type VI alpha 1 chain; plus strand). Cytogenetic location: 21q22.3.
Variant type: Indel.
Coding change: c.2808_2809delinsAC on transcript NM_001848.3 (MANE Select); coding-DNA positions 2808 to 2809, GA replaced by AC.
Protein change: p.Lys937Gln; replaces lysine 937 with glutamine.
Molecular consequence: missense variant.
Genome position (GRCh38, 1-based): chr21:46,003,734-46,003,735, GA replaced by AC. VCF-style: chr21-46003734-GA-AC. GRCh37 (hg19) VCF-style: chr21-47423648-GA-AC.
Other names: short protein forms K937Q.
Identifiers: ClinVar variation 2152650 (VCV002152650.4), dbSNP rs2526355082, ClinGen allele CA2580099005.

ClinVar aggregate classification (germline): Uncertain significance (1 of 4 stars; one submission).

Conditions:
Bethlem myopathy 1A. Also called: Bethlem Muscular Dystrophy; Bethlem myopathy 1; MYOPATHY, BENIGN CONGENITAL, WITH CONTRACTURES. Identifiers: Orphanet 610, MedGen CN029274, MONDO:0024530, OMIM 158810.

Submission:

Labcorp Genetics (formerly Invitae), Labcorp
Classification: Uncertain significance for Bethlem myopathy 1A. Last evaluated: 2024-07-23. Review status: criteria provided, single submitter. Criteria: Invitae Variant Classification Sherloc (09022015). Collection method: clinical testing. Allele origin: germline.
Comment: This sequence change replaces lysine, which is basic and polar, with glutamine, which is neutral and polar, at codon 937 of the COL6A1 protein (p.Lys937Gln). Information on the frequency of this variant in the gnomAD database is not available, as this variant may be reported differently in the database. This variant has not been reported in the literature in individuals affected with COL6A1-related conditions. ClinVar contains an entry for this variant (Variation ID: 2152650). Experimental studies and prediction algorithms are not available or were not evaluated, and the functional significance of this variant is currently unknown. In summary, the available evidence is currently insufficient to determine the role of this variant in disease. Therefore, it has been classified as a Variant of Uncertain Significance.